The following is an entry in ClinVar:

NM_000094.4(COL7A1):c.6508C>T (p.Gln2170Ter)

Gene: COL7A1 (collagen type VII alpha 1 chain; minus strand). Cytogenetic location: 3p21.31.
Variant type: single nucleotide variant.
Coding change: c.6508C>T on transcript NM_000094.4 (MANE Select); coding-DNA position 6508, C replaced by T.
Protein change: p.Gln2170Ter; replaces glutamine 2170 with a stop codon.
Molecular consequence: nonsense.
Genome position (GRCh38, 1-based): chr3:48,573,884, G>A on the plus strand (C>T on the coding strand, the complement: COL7A1 is on the minus strand). VCF-style: chr3-48573884-G-A. GRCh37 (hg19) VCF-style: chr3-48611317-G-A.
Other names: short protein forms Q2170*.
Identifiers: ClinVar variation 1069041 (VCV001069041.7), dbSNP rs1461012195, ClinGen allele CA352657548.

ClinVar aggregate classification (germline): Pathogenic. Review status: criteria provided, single submitter (1 of 4 stars). 2 submissions from 2 submitters: Pathogenic (1). 1 of the submissions does not count toward it. Last evaluated 2020-09-09.

Conditions:
Recessive dystrophic epidermolysis bullosa (RDEB). Also called: severe generalized recessive dystrophic epidermolysis bullosa; EPIDERMOLYSIS BULLOSA DYSTROPHICA, GENERALIZED SEVERE, AUTOSOMAL RECESSIVE; DYSTROPHIC EPIDERMOLYSIS BULLOSA, AUTOSOMAL RECESSIVE; EPIDERMOLYSIS BULLOSA DYSTROPHICA, HALLOPEAU-SIEMENS TYPE; Epidermolysis Bullosa Distrophica Autosomal Recessive (RDEB); epidermolysis bullosa dystrophica, autosomal recessive. Identifiers: Orphanet 79408, Orphanet 79409, MedGen C0079474, MONDO:0009179, OMIM 226600.

Submissions (2):

Labcorp Genetics (formerly Invitae), Labcorp
Classification: Pathogenic. Last evaluated: 2020-09-09. Review status: criteria provided, single submitter. Criteria: Invitae Variant Classification Sherloc (09022015). Collection method: clinical testing. Allele origin: germline.
Comment: For these reasons, this variant has been classified as Pathogenic. Loss-of-function variants in COL7A1 are known to be pathogenic (PMID: 16971478). This variant has been observed in individual(s) with COL7A1-related conditions (PMID: 16484981). This variant is not present in population databases (ExAC no frequency). This sequence change creates a premature translational stop signal (p.Gln2170*) in the COL7A1 gene. It is expected to result in an absent or disrupted protein product.

Narges Medical Genetic and Prenatal Diagnosis Lab
Classification: Pathogenic for Recessive dystrophic epidermolysis bullosa. Review status: no assertion criteria provided. Collection method: clinical testing. Allele origin: germline. Inheritance: Autosomal recessive inheritance. Affected: yes. Observed: 1 homozygote. Not counted in ClinVar's aggregate classification.

Literature cited by the submitters: PubMed 16971478 (cited by Labcorp Genetics (formerly Invitae), Labcorp); PubMed 16484981 (cited by Labcorp Genetics (formerly Invitae), Labcorp).